The following is an entry in ClinVar:

NM_178138.6(LHX3):c.782C>G (p.Pro261Arg)

Gene: LHX3 (LIM homeobox 3; minus strand). Cytogenetic location: 9q34.3.
Variant type: single nucleotide variant.
Coding change: c.782C>G on transcript NM_178138.6 (MANE Select); coding-DNA position 782, C replaced by G.
Protein change: p.Pro261Arg; replaces proline 261 with arginine.
Molecular consequence: missense variant.
Genome position (GRCh38, 1-based): chr9:136,197,737, G>C on the plus strand (C>G on the coding strand, the complement: LHX3 is on the minus strand). VCF-style: chr9-136197737-G-C. GRCh37 (hg19) VCF-style: chr9-139089583-G-C.
Other names: c.749C>G, p.Pro250Arg (NM_001363746.1); c.797C>G, p.Pro266Arg (NM_014564.5); short protein forms P250R, P266R, P261R.
Identifiers: ClinVar variation 1947627 (VCV001947627.3), dbSNP rs1831533070, ClinGen allele CA375519129.
Genomic context (GRCh38, chr9:136,197,737, plus strand): 5'-TGGGTGGGTTCCCCCAAGCTCCCGTAGAGGCCATTGGCCGGGCCCATTTCCGCCAAGGAA[G>C]GCTCATCTGCAACAGAAGCAGAGGCTCAGTCAGCGCCTGCCCTCCACCTGCGGCCCCTCA-3'
Protein context (NP_835258.1, residues 251-271): SDAEVSFPDE[Pro261Arg]SLAEMGPANG

ClinVar aggregate classification (germline): Uncertain significance (1 of 4 stars; one submission).

Allele frequency attached by ClinVar (database versions not stated): gnomAD 0.00001; TOPMed 0.00001.
gnomAD v4.1: 5 of 1,601,500 alleles (0.00031%); highest among the groups gnomAD compares: Non-Finnish European, 0.00042%; no homozygotes.

Submission:

Labcorp Genetics (formerly Invitae), Labcorp
Classification: Uncertain significance. Last evaluated: 2022-07-03. Review status: criteria provided, single submitter. Criteria: Invitae Variant Classification Sherloc (09022015). Collection method: clinical testing. Allele origin: germline.
Comment: In summary, the available evidence is currently insufficient to determine the role of this variant in disease. Therefore, it has been classified as a Variant of Uncertain Significance. Algorithms developed to predict the effect of missense changes on protein structure and function are either unavailable or do not agree on the potential impact of this missense change (SIFT: "Not Available"; PolyPhen-2: "Benign"; Align-GVGD: "Not Available"). This variant has not been reported in the literature in individuals affected with LHX3-related conditions. This variant is not present in population databases (gnomAD no frequency). This sequence change replaces proline, which is neutral and non-polar, with arginine, which is basic and polar, at codon 266 of the LHX3 protein (p.Pro266Arg).